The following is an entry in ClinVar:

NM_001369.3(DNAH5):c.7468_7488del (p.Trp2490_Leu2496del)

Gene: DNAH5 (dynein axonemal heavy chain 5; minus strand). Cytogenetic location: 5p15.2.
Variant type: Deletion.
Coding change: c.7468_7488del on transcript NM_001369.3 (MANE Select); coding-DNA positions 7468 to 7488, 21 bases deleted (TGGAGCGCGGGGGCGGCGCTG).
Protein change: p.Trp2490_Leu2496del.
Molecular consequence: inframe deletion.
Genome position (GRCh38, 1-based): chr5:13,810,180-13,810,200, CAGCGCCGCCCCCGCGCTCCA deleted on the plus strand (TGGAGCGCGGGGGCGGCGCTG on the coding strand, the reverse complement: DNAH5 is on the minus strand); deleting any 21 consecutive bases within chr5:13,810,180-13,810,204 gives the same sequence; the c. name uses the placement nearest the transcript's 3' end. VCF-style (leftmost placement, unchanged base first): chr5-13810179-CCAGCGCCGCCCCCGCGCTCCA-C. GRCh37 (hg19) VCF-style: chr5-13810288-CCAGCGCCGCCCCCGCGCTCCA-C.
Identifiers: ClinVar variation 163141 (VCV000163141.4), dbSNP rs727502975, ClinGen allele CA090919.

ClinVar aggregate classification (germline): Likely pathogenic (1 of 4 stars; one submission).

Conditions:
Primary ciliary dyskinesia. Also called: Ciliary dyskinesia. Identifiers: Orphanet 244, MedGen C0008780, MONDO:0016575, HP:0012265.

Submission:

Laboratory for Molecular Medicine, Mass General Brigham Personalized Medicine
Classification: Likely pathogenic for Primary ciliary dyskinesia. Last evaluated: 2014-03-14. Review status: criteria provided, single submitter. Criteria: LMM Criteria. Collection method: clinical testing. Allele origin: germline. Inheritance: Autosomal recessive inheritance. Observed: 2 variant alleles.
Comment: The Trp2490_Leu2496del variant in DNAH5 leads to an in-frame deletion of 7 amino acids. This variant has been reported together with a second DNAH5 variant (Met 2083Ile) in one individual with PCD and situs inversus (Berg 2011). Data from large populati on studies is insufficient to determine whether this variant is present in the g eneral population. In summary, this variant is likely pathogenic, though additio nal studies are required to fully establish its clinical significance.

Literature cited by the submitters: PubMed 21270641.